The following is an entry in ClinVar:

ClinVar aggregate classification (germline): Likely benign. Review status: criteria provided, multiple submitters, no conflicts (2 of 4 stars). 2 submissions from 2 submitters: Likely benign (2). Last evaluated 2023-12-17.

Conditions:
Left ventricular noncompaction 1 (LVNC1). Also called: LEFT VENTRICULAR NONCOMPACTION 1 WITH OR WITHOUT CONGENITAL HEART DEFECTS. Identifiers: Orphanet 54260, MedGen C1858725, MONDO:0011403, OMIM 604169.

Allele frequency attached by ClinVar (database versions not stated): TOPMed 0.00002.
gnomAD v4.1: 13 of 1,614,048 alleles (0.00081%); highest among the groups gnomAD compares: Non-Finnish European, 0.001%; no homozygotes.

Submissions (2):

Labcorp Genetics (formerly Invitae), Labcorp
Classification: Likely benign for Left ventricular noncompaction 1. Last evaluated: 2023-12-17. Review status: criteria provided, single submitter. Criteria: Invitae Variant Classification Sherloc (09022015). Collection method: clinical testing. Allele origin: germline.

Women's Health and Genetics/Laboratory Corporation of America, LabCorp
Classification: Likely benign. Last evaluated: 2018-07-09. Review status: criteria provided, single submitter. Criteria: LabCorp Variant Classification Summary - May 2015. Collection method: clinical testing. Allele origin: germline.
Comment: Variant summary: DTNA c.1740G>T alters a non-conserved nucleotide resulting in a synonymous change. 5/5 computational tools predict no significant impact on normal splicing. However, these predictions have yet to be confirmed by functional studies. The variant allele was found at a frequency of 1.7e-05 in 120892 control chromosomes. The available data on variant occurrences in the general population are insufficient to allow any conclusion about variant significance. To our knowledge, no occurrence of c.1740G>T in individuals affected with Cardiomyopathy and no experimental evidence demonstrating its impact on protein function have been reported. No clinical diagnostic laboratories have submitted clinical-significance assessments for this variant to ClinVar after 2014. Another variant c.1740G>A, causing same synonymous change, has been classified as benign by our laboratory. Based on the evidence outlined above, the variant was classified as likely benign.

NM_001386795.1(DTNA):c.1821G>T (p.Ala607=)

Gene: DTNA (dystrobrevin alpha; plus strand). Cytogenetic location: 18q12.1.
Variant type: single nucleotide variant.
Coding change: c.1821G>T on transcript NM_001386795.1 (MANE Select); coding-DNA position 1821, G replaced by T.
Protein change: p.Ala607=; no amino-acid change (alanine 607 retained).
Molecular consequence: synonymous variant.
Genome position (GRCh38, 1-based): chr18:34,875,316, G>T. VCF-style: chr18-34875316-G-T. GRCh37 (hg19) VCF-style: chr18-32455280-G-T.
Other names: c.1560G>T, p.Ala520= (NM_001386765.1, NM_001386766.1, NM_001386767.1 and 5 more transcripts); c.1557G>T, p.Ala519= (NM_001386768.1, NM_001386769.1); c.1821G>T, p.Ala607= (NM_001386788.1); c.1740G>T, p.Ala580= (NM_001390.5); c.1569G>T, p.Ala523= (NM_032975.4, NM_001386761.1); c.684G>T, p.Ala228= (NM_032980.4); c.1581G>T, p.Ala527= (NM_001198939.2); c.867G>T, p.Ala289= (NM_001198942.1); and 5 more.
Identifiers: ClinVar variation 633193 (VCV000633193.4), dbSNP rs9959365, ClinGen allele CA8935856.